The following is an entry in ClinVar:

NM_005359.6(SMAD4):c.401A>G (p.Glu134Gly)

Gene: SMAD4 (SMAD family member 4; plus strand). Cytogenetic location: 18q21.2.
Variant type: single nucleotide variant.
Coding change: c.401A>G on transcript NM_005359.6 (MANE Select); coding-DNA position 401, A replaced by G.
Protein change: p.Glu134Gly; replaces glutamic acid 134 with glycine.
Molecular consequence: missense variant. On other transcripts: non-coding transcript variant (2).
Genome position (GRCh38, 1-based): chr18:51,048,837, A>G. VCF-style: chr18-51048837-A-G. GRCh37 (hg19) VCF-style: chr18-48575207-A-G.
Other names: c.401A>G, p.Glu134Gly (NM_001407041.1, NM_001407042.1, NM_001407043.1); short protein forms E134G.
Identifiers: ClinVar variation 2771985 (VCV002771985.3), dbSNP rs2144406179, ClinGen allele CA402458781.

ClinVar aggregate classification (germline): Uncertain significance (1 of 4 stars; one submission).

Conditions:
Juvenile polyposis syndrome (JPS). Identifiers: Orphanet 2929, MedGen C0345893, MONDO:0017380, OMIM 174900.

Submission:

Labcorp Genetics (formerly Invitae), Labcorp
Classification: Uncertain significance for Juvenile polyposis syndrome. Last evaluated: 2023-10-27. Review status: criteria provided, single submitter. Criteria: Invitae Variant Classification Sherloc (09022015). Collection method: clinical testing. Allele origin: germline.
Comment: This sequence change replaces glutamic acid, which is acidic and polar, with glycine, which is neutral and non-polar, at codon 134 of the SMAD4 protein (p.Glu134Gly). This variant is not present in population databases (gnomAD no frequency). This variant has not been reported in the literature in individuals affected with SMAD4-related conditions. Advanced modeling of protein sequence and biophysical properties (such as structural, functional, and spatial information, amino acid conservation, physicochemical variation, residue mobility, and thermodynamic stability) has been performed at Invitae for this missense variant, however the output from this modeling did not meet the statistical confidence thresholds required to predict the impact of this variant on SMAD4 protein function. In summary, the available evidence is currently insufficient to determine the role of this variant in disease. Therefore, it has been classified as a Variant of Uncertain Significance.